The following is an entry in ClinVar:

ClinVar aggregate classification (germline): Likely pathogenic (1 of 4 stars; one submission).

Submission:

Labcorp Genetics (formerly Invitae), Labcorp
Classification: Likely pathogenic. Last evaluated: 2023-05-13. Review status: criteria provided, single submitter. Criteria: Invitae Variant Classification Sherloc (09022015). Collection method: clinical testing. Allele origin: germline.
Comment: This variant is not present in population databases (gnomAD no frequency). This sequence change affects an acceptor splice site in intron 22 of the SLC12A1 gene. It is expected to disrupt RNA splicing. Variants that disrupt the donor or acceptor splice site typically lead to a loss of protein function (PMID: 16199547), and loss-of-function variants in SLC12A1 are known to be pathogenic (PMID: 8640224, 9585600, 19096086). This variant has not been reported in the literature in individuals affected with SLC12A1-related conditions. In summary, the currently available evidence indicates that the variant is pathogenic, but additional data are needed to prove that conclusively. Therefore, this variant has been classified as Likely Pathogenic. Algorithms developed to predict the effect of sequence changes on RNA splicing suggest that this variant may disrupt the consensus splice site.

Literature cited by the submitters: PubMed 16199547; PubMed 8640224; PubMed 9585600; PubMed 19096086.

NM_000338.3(SLC12A1):c.2762-1G>T

Gene: SLC12A1 (solute carrier family 12 member 1; plus strand). Cytogenetic location: 15q21.1.
Variant type: single nucleotide variant.
Coding change: c.2762-1G>T on transcript NM_000338.3 (MANE Select); the canonical splice acceptor site of the intron before coding-DNA position 2762, G replaced by T.
Molecular consequence: splice acceptor variant.
Genome position (GRCh38, 1-based): chr15:48,288,404, G>T. VCF-style: chr15-48288404-G-T. GRCh37 (hg19) VCF-style: chr15-48580601-G-T.
Other names: c.2762-1G>T (NM_001384136.1, NM_001184832.2).
Identifiers: ClinVar variation 2864016 (VCV002864016.3), dbSNP rs2505191463, ClinGen allele CA392318086.